The following is an entry in ClinVar:

ClinVar aggregate classification (germline): Likely pathogenic (0 of 4 stars; one submission).

Conditions:
Neurodevelopmental disorder with dystonia and seizures (NEDDS). Identifiers: MedGen C5677004, MONDO:0859258, OMIM 619922.

gnomAD v4.1: 1 of 1,612,622 alleles (0.000062%); highest among the groups gnomAD compares: Middle Eastern, 0.02%; no homozygotes.

Submission:

Medical Genetics Laboratory, AJA University of Medical Sciences
Classification: Likely pathogenic for Neurodevelopmental disorder with dystonia and seizures. Last evaluated: 2025-05-14. Review status: no assertion criteria provided. Collection method: research. Allele origin: germline. Inheritance: Autosomal recessive inheritance. Affected: yes. Observed: 1 homozygote.
Comment: The SHQ1:​c.563C>T​(p.Ala188Val) variant causes a missense change involving the alteration of a non-conserved nucleotide. The variant allele was found at a frequency of 0.000000685 in 1,460,318 control chromosomes in the GnomAD database, with no homozygous occurrence (PM2). Also, our patient's phenotype is highly specific for the diseases (PP4).

NM_018130.3(SHQ1):c.563C>T (p.Ala188Val)

Gene: SHQ1 (SHQ1, H/ACA ribonucleoprotein assembly factor; minus strand). Cytogenetic location: 3p13.
Variant type: single nucleotide variant.
Coding change: c.563C>T on transcript NM_018130.3 (MANE Select); coding-DNA position 563, C replaced by T.
Protein change: p.Ala188Val; replaces alanine 188 with valine.
Molecular consequence: missense variant.
Genome position (GRCh38, 1-based): chr3:72,832,405, G>A on the plus strand (C>T on the coding strand, the complement: SHQ1 is on the minus strand). VCF-style: chr3-72832405-G-A. GRCh37 (hg19) VCF-style: chr3-72881556-G-A.
Other names: short protein forms A188V.
Identifiers: ClinVar variation 4073559 (VCV004073559.1).